The following is an entry in ClinVar:

NM_001267550.2(TTN):c.100296dup (p.Glu33433Ter)

Genes: TTN (titin; minus strand), TTN-AS1 (TTN antisense RNA 1; plus strand), LOC126806420 (BRD4-independent group 4 enhancer GRCh37_chr2:179401104-179402303; plus strand). Cytogenetic location: 2q31.2.
Variant type: Duplication.
Coding change: c.100296dup on transcript NM_001267550.2 (MANE Select); coding-DNA position 100296, one base duplicated (T; older notation c.100296dupT).
Protein change: p.Glu33433Ter; replaces glutamic acid 33433 with a stop codon.
Molecular consequence: nonsense.
Genome position (GRCh38, 1-based): chr2:178,536,451, A duplicated on the plus strand (T on the coding strand, the reverse complement: TTN is on the minus strand). VCF-style (leftmost placement, unchanged base first): chr2-178536450-C-CA. GRCh37 (hg19) VCF-style: chr2-179401177-C-CA.
Other names: c.95373dup, p.Glu31792Ter (NM_001256850.1); c.73101dup, p.Glu24368Ter (NM_003319.4); c.92592dup, p.Glu30865Ter (NM_133378.4); c.73476dup, p.Glu24493Ter (NM_133432.3); c.73677dup, p.Glu24560Ter (NM_133437.4); short protein forms E24368*, E24493*, E24560*, E30865*, E31792*, E33433*.
Identifiers: ClinVar variation 3769806 (VCV003769806.1).
Genomic context (GRCh38, chr2:178,536,450, plus strand): 5'-AAAAGACAGTTTCTCGAATTTCTTCTGTTGTCACAGAAATCCATTTATTCTGCTTCTTCT[C>CA]ACGCTTCTCAAGGTAGTAATTTCTAATCTTTGCACCTCCATCACTGGCAGGTGGCTTCCA-3'

ClinVar aggregate classification (germline): Pathogenic (1 of 4 stars; one submission).

Submission:

GeneDx
Classification: Pathogenic. Last evaluated: 2024-09-17. Review status: criteria provided, single submitter. Criteria: GeneDx Variant Classification Process June 2021. Collection method: clinical testing. Allele origin: germline. Affected: yes.
Comment: Nonsense variant predicted to result in protein truncation or nonsense mediated decay in a gene for which loss-of-function is a known mechanism of disease; Located in the A-band region of TTN in which the majority of loss of function variants have been associated with autosomal dominant titinopathies (PMID: 22335739); Not observed at significant frequency in large population cohorts (gnomAD); Has not been previously published as pathogenic or benign to our knowledge; This variant is associated with the following publications: (PMID: GruberA2020[Abstract], 22335739)